The following is an entry in ClinVar:

NM_004655.4(AXIN2):c.657G>A (p.Lys219=)

Gene: AXIN2 (axin 2; minus strand). Cytogenetic location: 17q24.1.
Variant type: single nucleotide variant.
Coding change: c.657G>A on transcript NM_004655.4 (MANE Select); coding-DNA position 657, G replaced by A.
Protein change: p.Lys219=; no amino-acid change (lysine 219 retained).
Molecular consequence: synonymous variant.
Genome position (GRCh38, 1-based): chr17:65,557,964, C>T on the plus strand (G>A on the coding strand, the complement: AXIN2 is on the minus strand). VCF-style: chr17-65557964-C-T. GRCh37 (hg19) VCF-style: chr17-63554082-C-T.
Other names: c.657G>A, p.Lys219= (NM_001363813.1); c.657G>A (NM_004655.3).
Identifiers: ClinVar variation 1138989 (VCV001138989.11), dbSNP rs374955858, ClinGen allele CA293107140.
Genomic context (GRCh38, chr17:65,557,964, plus strand): 5'-GAAGTCGGCACAAGTCCACTCCTCTTCTTCATTCAAGGTGGGGAGATAGCCACACACGAC[C>T]TTTAGGCTCCCGAGTCCCCCATTACTCATGTAAGCTGTGTTTTCTCCCCCACTCCTCACA-3'
Protein context (NP_004646.3, residues 209-229): YMSNGGLGSL[Lys219=]VVCGYLPTLN

ClinVar aggregate classification (germline): Benign/Likely benign. Review status: criteria provided, multiple submitters, no conflicts (2 of 4 stars). 3 submissions from 3 submitters: Benign (1); Likely benign (2). Last evaluated 2025-06-01.

Conditions:
Hereditary cancer-predisposing syndrome. Also called: Hereditary neoplastic syndrome; Hereditary Cancer Syndrome; Tumor predisposition; Neoplastic Syndromes, Hereditary. Identifiers: Orphanet 140162, MedGen C0027672, MeSH D009386, MONDO:0015356.
Oligodontia-cancer predisposition syndrome. Also called: TOOTH AGENESIS-COLORECTAL CANCER SYNDROME. Identifiers: Orphanet 300576, MedGen C1837750, MONDO:0012075, OMIM 608615. Disease mechanism: loss of function.

Allele frequency attached by ClinVar (database versions not stated): gnomAD exomes below 0.00001 and 0.00001.
gnomAD v4.1: 8 of 1,614,214 alleles (0.0005%); highest among the groups gnomAD compares: Non-Finnish European, 0.00068%; no homozygotes.

Submissions (3):

Labcorp Genetics (formerly Invitae), Labcorp
Classification: Likely benign for Oligodontia-cancer predisposition syndrome. Last evaluated: 2025-06-01. Review status: criteria provided, single submitter. Criteria: Invitae Variant Classification Sherloc (09022015). Collection method: clinical testing. Allele origin: germline.

Myriad Genetics, Inc.
Classification: Benign for Oligodontia-cancer predisposition syndrome. Last evaluated: 2024-06-27. Review status: criteria provided, single submitter. Criteria: Myriad Autosomal Dominant, Autosomal Recessive and X-Linked Classification Criteria (2023). Collection method: clinical testing. Allele origin: unknown.
Comment: This variant is considered benign. This variant is a silent/synonymous amino acid change and it is not expected to impact splicing.

Ambry Genetics
Classification: Likely benign for Hereditary cancer-predisposing syndrome. Last evaluated: 2023-11-02. Review status: criteria provided, single submitter. Criteria: Ambry Variant Classification Scheme 2023. Collection method: clinical testing. Allele origin: germline.